The following is an entry in ClinVar:

ClinVar aggregate classification (germline): Likely pathogenic. Review status: criteria provided, multiple submitters, no conflicts (2 of 4 stars). 3 submissions from 3 submitters: Likely pathogenic (2). 1 of the submissions does not count toward it. Last evaluated 2023-03-27.

Conditions:
Familial long QT syndrome (RWS). Also called: Congenital long QT syndrome; Romano-Ward syndrome; VENTRICULAR FIBRILLATION WITH PROLONGED QT INTERVAL. Identifiers: Orphanet 768, MedGen C1141890, MONDO:0019171.
Long QT syndrome (LQTS). Identifiers: MedGen C0023976, MeSH D008133, MONDO:0002442. Disease mechanism: loss of function. Inheritance: Various modes of inheritance.

Submissions (3):

Labcorp Genetics (formerly Invitae), Labcorp
Classification: Likely pathogenic for Long QT syndrome. Last evaluated: 2023-03-27. Review status: criteria provided, single submitter. Criteria: Invitae Variant Classification Sherloc (09022015). Collection method: clinical testing. Allele origin: germline.
Comment: This missense change has been observed in individual(s) with clinical features of LQTS (PMID: 19716085; Invitae). In at least one individual the variant was observed to be de novo. In summary, the currently available evidence indicates that the variant is pathogenic, but additional data are needed to prove that conclusively. Therefore, this variant has been classified as Likely Pathogenic. Experimental studies have shown that this missense change affects KCNH2 function (PMID: 25417810). An algorithm developed to predict the effect of missense changes on protein structure and function (PolyPhen-2) suggests that this variant is likely to be disruptive. ClinVar contains an entry for this variant (Variation ID: 67283). This variant is not present in population databases (gnomAD no frequency). This sequence change replaces proline, which is neutral and non-polar, with serine, which is neutral and polar, at codon 605 of the KCNH2 protein (p.Pro605Ser).

Mayo Clinic Laboratories, Mayo Clinic
Classification: Likely pathogenic. Last evaluated: 2022-12-07. Review status: criteria provided, single submitter. Criteria: ACMG Guidelines, 2015. Collection method: clinical testing. Allele origin: germline. Observed: 2 variant alleles.
Comment: PP2, PP3, PM1, PM2_supporting, PS3_supporting, PS4_moderate

Cardiovascular Biomedical Research Unit, Royal Brompton & Harefield NHS Foundation Trust
No classification provided. Condition: Familial long QT syndrome. Review status: no classification provided. Collection method: literature only. Allele origin: germline. Not counted in ClinVar's aggregate classification.
Comment: This variant has been reported as associated with Long QT syndrome in the following publications (PMID:19716085). This is a literature report, and does not necessarily reflect the clinical interpretation of the Imperial College / Royal Brompton Cardiovascular Genetics laboratory.

Literature cited by the submitters: PubMed 19716085 (cited by 3 submitters); PubMed 25417810 (cited by Labcorp Genetics (formerly Invitae), Labcorp and Mayo Clinic Laboratories, Mayo Clinic); PubMed 36339618 (cited by Mayo Clinic Laboratories, Mayo Clinic); PubMed 22581653 (cited by Cardiovascular Biomedical Research Unit, Royal Brompton & Harefield NHS Foundation Trust).

NM_000238.4(KCNH2):c.1813C>T (p.Pro605Ser)

Gene: KCNH2 (potassium voltage-gated channel subfamily H member 2; minus strand). Cytogenetic location: 7q36.1.
Variant type: single nucleotide variant.
Coding change: c.1813C>T on transcript NM_000238.4 (MANE Select); coding-DNA position 1813, C replaced by T.
Protein change: p.Pro605Ser; replaces proline 605 with serine.
Molecular consequence: missense variant.
Genome position (GRCh38, 1-based): chr7:150,951,580, G>A on the plus strand (C>T on the coding strand, the complement: KCNH2 is on the minus strand). VCF-style: chr7-150951580-G-A. GRCh37 (hg19) VCF-style: chr7-150648668-G-A.
Other names: c.1813C>T (LRG_288t1); c.793C>T, p.Pro265Ser (NM_172057.3, NM_001204798.2); c.1525C>T, p.Pro509Ser (NM_001406753.1, NM_001406756.1); c.1636C>T, p.Pro546Ser (NM_001406755.1); c.1513C>T, p.Pro505Ser (NM_001406757.1); c.1813C>T, p.Pro605Ser (NM_172056.3); short protein forms P265S, P605S, P505S, P509S, P546S.
Identifiers: ClinVar variation 67283 (VCV000067283.7), dbSNP rs199472939, ClinGen allele CA005568.